The following is an entry in ClinVar:

ClinVar aggregate classification (germline): Uncertain significance (1 of 4 stars; one submission).

Conditions:
Hereditary insensitivity to pain with anhidrosis (CIPA). Also called: NTRK1 Congenital Insensitivity to Pain with Anhidrosis; INSENSITIVITY TO PAIN, CONGENITAL, WITH ANHIDROSIS; NEUROPATHY, CONGENITAL SENSORY, WITH ANHIDROSIS; FAMILIAL DYSAUTONOMIA, TYPE II; HSAN Type IV; hereditary sensory and autonomic neuropathy type 4. Identifiers: Orphanet 642, MedGen C0020074, MONDO:0009746, OMIM 256800.

Submission:

Myriad Genetics, Inc.
Classification: Uncertain significance for Hereditary insensitivity to pain with anhidrosis. Last evaluated: 2026-08-27. Review status: criteria provided, single submitter. Criteria: Myriad Autosomal Dominant, Autosomal Recessive and X-Linked Classification Criteria (2023). Collection method: clinical testing. Allele origin: unknown.
Comment: NM_002529.3(NTRK1):c.1738_1746del9(T580_G582del) is an in-frame deletion classified as a variant of uncertain significance in the context of congenital insensitivity to pain with anhidrosis, NTRK1-related. T580_G582del has not been observed in cases with relevant disease. Relevant functional assessments of this variant are not available in the literature. T580_G582del has not been observed in referenced population frequency databases. In summary, there is insufficient evidence to classify NM_002529.3(NTRK1):c.1738_1746del9(T580_G582del) as pathogenic or benign. Please note: this variant was assessed in the context of healthy population screening.

NM_002529.4(NTRK1):c.1738_1746del (p.Thr580_Gly582del)

Gene: NTRK1 (neurotrophic receptor tyrosine kinase 1; plus strand). Cytogenetic location: 1q23.1.
Variant type: Deletion.
Coding change: c.1738_1746del on transcript NM_002529.4 (MANE Select); coding-DNA positions 1738 to 1746, 9 bases deleted (ACCGAGGGC; older notation c.1738_1746delACCGAGGGC).
Protein change: p.Thr580_Gly582del.
Molecular consequence: inframe deletion.
Genome position (GRCh38, 1-based): chr1:156,876,505-156,876,513, ACCGAGGGC deleted; deleting any 9 consecutive bases within chr1:156,876,503-156,876,513 gives the same sequence; the c. name uses the placement nearest the transcript's 3' end. VCF-style (leftmost placement, unchanged base first): chr1-156876502-TGCACCGAGG-T. GRCh37 (hg19) VCF-style: chr1-156846294-TGCACCGAGG-T.
Other names: c.1630_1638del, p.Thr544_Gly546del (NM_001007792.1); c.1720_1728del, p.Thr574_Gly576del (NM_001012331.2).
Identifiers: ClinVar variation 5004874 (VCV005004874.1).
Genomic context (GRCh38, chr1:156,876,502, plus strand): 5'-CGTGAGGCTGAGCTGCTCACCATGCTGCAGCACCAGCACATCGTGCGCTTCTTCGGCGTC[TGCACCGAGG>T]GCCGCCCCCTGCTCATGGTCTTTGAGTATATGCGGCACGGGGACCTCAACCGCTTCCTCC-3'